The following is an entry in ClinVar:

NM_000516.7(GNAS):c.917C>A (p.Ser306Ter)

Gene: GNAS (GNAS complex locus; plus strand). Cytogenetic location: 20q13.32.
Variant type: single nucleotide variant.
Coding change: c.917C>A on transcript NM_000516.7 (MANE Select); coding-DNA position 917, C replaced by A.
Protein change: p.Ser306Ter; replaces serine 306 with a stop codon.
Molecular consequence: nonsense. On other transcripts: 3 prime UTR variant (2).
Genome position (GRCh38, 1-based): chr20:58,910,028, C>A. VCF-style: chr20-58910028-C-A. GRCh37 (hg19) VCF-style: chr20-57485083-C-A.
Other names: c.920C>A, p.Ser307Ter (NM_001077488.5); c.872C>A, p.Ser291Ter (NM_001077489.4); c.*778C>A (NM_001077490.3); c.740C>A, p.Ser247Ter (NM_001309840.2, NM_001309861.2); c.821C>A, p.Ser274Ter (NM_001410912.1); c.2801C>A, p.Ser934Ter (NM_001410913.1); c.*823C>A (NM_016592.5); c.2846C>A, p.Ser949Ter (NM_080425.4); and 2 more; short protein forms S247*, S274*, S291*, S934*, S306*, S307*, S949*, S292*.
Identifiers: ClinVar variation 2099168 (VCV002099168.5), dbSNP rs2146292463, ClinGen allele CA409453194.

ClinVar aggregate classification (germline): Pathogenic. Review status: criteria provided, multiple submitters, no conflicts (2 of 4 stars). 2 submissions from 2 submitters: Pathogenic (2). Last evaluated 2025-01-07.

Conditions:
GNAS-related disorder. Identifiers: MedGen CN380105.

Submissions (2):

PreventionGenetics, part of Exact Sciences
Classification: Pathogenic for GNAS-related condition. Last evaluated: 2025-01-07. Review status: criteria provided, single submitter. Criteria: ACMG Guidelines, 2015. Collection method: clinical testing. Allele origin: germline.
Comment: The GNAS c.917C>A variant is predicted to result in premature protein termination (p.Ser306*). This variant (also reported as NM_001077488.2: c.920C>A; p.Ser307*) has been detected in two kindreds with GNAS-related phenotypes (Snanoudj et al 2020. PubMed ID: 31886927, Sup table S2). This variant has not been reported in gnomAD, indicating this variant is rare. Nonsense variants in GNAS are expected to be pathogenic. This variant is interpreted as pathogenic.

Labcorp Genetics (formerly Invitae), Labcorp
Classification: Pathogenic. Last evaluated: 2022-08-30. Review status: criteria provided, single submitter. Criteria: Invitae Variant Classification Sherloc (09022015). Collection method: clinical testing. Allele origin: germline.
Comment: This sequence change creates a premature translational stop signal (p.Ser306*) in the GNAS gene. It is expected to result in an absent or disrupted protein product. Loss-of-function variants in GNAS are known to be pathogenic (PMID: 11784876, 23281139, 23796510, 25802881). This variant is not present in population databases (gnomAD no frequency). This premature translational stop signal has been observed in individual(s) with GNAS-related conditions (PMID: 31886927). This variant is also known as c.920C>A (p.Ser307*). For these reasons, this variant has been classified as Pathogenic.

Literature cited by the submitters: PubMed 11784876 (cited by Labcorp Genetics (formerly Invitae), Labcorp); PubMed 23281139 (cited by Labcorp Genetics (formerly Invitae), Labcorp); PubMed 23796510 (cited by Labcorp Genetics (formerly Invitae), Labcorp); PubMed 25802881 (cited by Labcorp Genetics (formerly Invitae), Labcorp); PubMed 31886927 (cited by Labcorp Genetics (formerly Invitae), Labcorp).